The following is an entry in ClinVar:

NM_025000.4(DCAF17):c.217C>T (p.Arg73Cys)

Gene: DCAF17 (DDB1 and CUL4 associated factor 17; plus strand). Cytogenetic location: 2q31.1.
Variant type: single nucleotide variant.
Coding change: c.217C>T on transcript NM_025000.4 (MANE Select); coding-DNA position 217, C replaced by T.
Protein change: p.Arg73Cys; replaces arginine 73 with cysteine.
Molecular consequence: missense variant. On other transcripts: non-coding transcript variant (1).
Genome position (GRCh38, 1-based): chr2:171,435,173, C>T. VCF-style: chr2-171435173-C-T. GRCh37 (hg19) VCF-style: chr2-172291683-C-T.
Other names: c.217C>T, p.Arg73Cys (NM_001164821.2); short protein forms R73C.
Identifiers: ClinVar variation 2085772 (VCV002085772.2), dbSNP rs766629618, ClinGen allele CA1964574.

ClinVar aggregate classification (germline): Conflicting classifications of pathogenicity. Review status: criteria provided, conflicting classifications (1 of 4 stars). 2 submissions from 2 submitters: Uncertain significance (1); Likely benign (1). Last evaluated 2022-09-05.

Conditions:
Inborn genetic diseases. Identifiers: MedGen C0950123, MeSH D030342.
Woodhouse-Sakati syndrome. Also called: Hypogonadism, Alopecia, Diabetes Mellitus, Mental Retardation, and Extrapyramidal Syndrome; Hypogonadism, diabetes mellitus, alopecia, mental retardation and electrocardiographic abnormalities; EXTRAPYRAMIDAL DISORDER, PROGRESSIVE, WITH PRIMARY HYPOGONADISM, MENTAL RETARDATION, AND ALOPECIA. Identifiers: Orphanet 3464, MedGen C0342286, MONDO:0009419, OMIM 241080.

Allele frequency attached by ClinVar (database versions not stated): gnomAD exomes below 0.00001; TOPMed below 0.00001; ExAC 0.00001; gnomAD 0.00001.
gnomAD v4.1: 4 of 1,612,418 alleles (0.00025%); highest among the groups gnomAD compares: East Asian, 0.0022%; no homozygotes.

Submissions (2):

Labcorp Genetics (formerly Invitae), Labcorp
Classification: Uncertain significance for Woodhouse-Sakati syndrome. Last evaluated: 2022-09-05. Review status: criteria provided, single submitter. Criteria: Invitae Variant Classification Sherloc (09022015). Collection method: clinical testing. Allele origin: germline.
Comment: This sequence change replaces arginine, which is basic and polar, with cysteine, which is neutral and slightly polar, at codon 73 of the DCAF17 protein (p.Arg73Cys). This variant is present in population databases (rs766629618, gnomAD 0.0009%). This variant has not been reported in the literature in individuals affected with DCAF17-related conditions. Algorithms developed to predict the effect of missense changes on protein structure and function output the following: SIFT: "Tolerated"; PolyPhen-2: "Benign"; Align-GVGD: "Class C0". The cysteine amino acid residue is found in multiple mammalian species, which suggests that this missense change does not adversely affect protein function. In summary, the available evidence is currently insufficient to determine the role of this variant in disease. Therefore, it has been classified as a Variant of Uncertain Significance.

Ambry Genetics
Classification: Likely benign for Inborn genetic diseases. Last evaluated: 2022-06-24. Review status: criteria provided, single submitter. Criteria: Ambry Variant Classification Scheme 2023. Collection method: clinical testing. Allele origin: germline.